The following is an entry in ClinVar:

NM_004456.5(EZH2):c.1364A>G (p.Asn455Ser)

Gene: EZH2 (enhancer of zeste 2 polycomb repressive complex 2 subunit; minus strand). Cytogenetic location: 7q36.1.
Variant type: single nucleotide variant.
Coding change: c.1364A>G on transcript NM_004456.5 (MANE Select); coding-DNA position 1364, A replaced by G.
Protein change: p.Asn455Ser; replaces asparagine 455 with serine.
Molecular consequence: missense variant.
Genome position (GRCh38, 1-based): chr7:148,817,268, T>C on the plus strand (A>G on the coding strand, the complement: EZH2 is on the minus strand). VCF-style: chr7-148817268-T-C. GRCh37 (hg19) VCF-style: chr7-148514360-T-C.
Other names: c.1349A>G, p.Asn450Ser (NM_001203247.2); c.1322A>G, p.Asn441Ser (NM_001203248.2, NM_001203249.2); c.1232A>G, p.Asn411Ser (NM_152998.3); short protein forms N411S, N450S, N441S, N455S.
Identifiers: ClinVar variation 1926619 (VCV001926619.8), dbSNP rs897492574, ClinGen allele CA168914746.
Genomic context (GRCh38, chr7:148,817,268, plus strand): 5'-ATCGGATATCTTACCTGTCTACATGTTTTGGTCCCAATTAACCTAGCAATGGCACAGAAA[T>C]TGTCATAGTAAGTGCCAATGAGGACTCTAAACATTGAGGCTTCAGCACCACTCCACTCCA-3'
Protein context (NP_004447.2, residues 445-465): FRVLIGTYYD[Asn455Ser]FCAIARLIGT

ClinVar aggregate classification (germline): Uncertain significance. Review status: criteria provided, multiple submitters, no conflicts (2 of 4 stars). 3 submissions from 3 submitters: Uncertain significance (3). Last evaluated 2026-01-07.

Conditions:
Weaver syndrome (WVS). Also called: Weaver Smith syndrome; Overgrowth syndrome with accelerated skeletal maturation, unusual facies, and camptodactyly. Identifiers: Orphanet 3447, MedGen C0265210, MONDO:0010193, OMIM 277590.
Inborn genetic diseases. Identifiers: MedGen C0950123, MeSH D030342.

Allele frequency attached by ClinVar (database versions not stated): TOPMed 0.00005; gnomAD 0.00003.
gnomAD v4.1: 13 of 1,613,840 alleles (0.00081%); highest among the groups gnomAD compares: African/African-American, 0.011%; no homozygotes.

Submissions (3):

Dasa
Classification: Uncertain significance for Weaver syndrome. Last evaluated: 2026-01-07. Review status: criteria provided, single submitter. Criteria: DASA Assertion Criteria. Collection method: clinical testing. Allele origin: germline.
Comment: NM_004456.5(EZH2):c.1364A>G (p.Asn455Ser) is a missense variant that results in the substitution of asparagine with serine. This variant is rare in population databases. Computational prediction algorithms are consistent with a deleterious effect. The currently available literature and clinical evidence are not sufficient to establish a definitive association between this variant and the reported condition. Therefore, this variant is classified as a variant of uncertain significance.

Labcorp Genetics (formerly Invitae), Labcorp
Classification: Uncertain significance for Weaver syndrome. Last evaluated: 2025-02-12. Review status: criteria provided, single submitter. Criteria: Invitae Variant Classification Sherloc (09022015). Collection method: clinical testing. Allele origin: germline.
Comment: This sequence change replaces asparagine, which is neutral and polar, with serine, which is neutral and polar, at codon 455 of the EZH2 protein (p.Asn455Ser). This variant is not present in population databases (gnomAD no frequency). This variant has not been reported in the literature in individuals affected with EZH2-related conditions. ClinVar contains an entry for this variant (Variation ID: 1926619). Invitae Evidence Modeling of protein sequence and biophysical properties (such as structural, functional, and spatial information, amino acid conservation, physicochemical variation, residue mobility, and thermodynamic stability) indicates that this missense variant is expected to disrupt EZH2 protein function with a positive predictive value of 80%. In summary, the available evidence is currently insufficient to determine the role of this variant in disease. Therefore, it has been classified as a Variant of Uncertain Significance.

Ambry Genetics
Classification: Uncertain significance for Inborn genetic diseases. Last evaluated: 2024-03-04. Review status: criteria provided, single submitter. Criteria: Ambry Variant Classification Scheme 2023. Collection method: clinical testing. Allele origin: germline.